The following is an entry in ClinVar:

NM_000373.4(UMPS):c.1050T>A (p.Val350=)

Gene: UMPS (uridine monophosphate synthetase; plus strand). Cytogenetic location: 3q21.2.
Variant type: single nucleotide variant.
Coding change: c.1050T>A on transcript NM_000373.4 (MANE Select); coding-DNA position 1050, T replaced by A.
Protein change: p.Val350=; no amino-acid change (valine 350 retained).
Molecular consequence: synonymous variant. On other transcripts: non-coding transcript variant (2).
Genome position (GRCh38, 1-based): chr3:124,740,091, T>A. VCF-style: chr3-124740091-T-A. GRCh37 (hg19) VCF-style: chr3-124458938-T-A.
Identifiers: ClinVar variation 100129 (VCV000100129.15), dbSNP rs2291078, ClinGen allele CA228196.

ClinVar aggregate classification (germline): Benign. Review status: criteria provided, multiple submitters, no conflicts (2 of 4 stars). 4 submissions from 4 submitters: Benign (3). 1 of the submissions does not count toward it. Last evaluated 2026-01-26.

Conditions:
Hereditary orotic aciduria, type 1. Also called: Orotic aciduria type 1; Oroticaciduria 1. Identifiers: MedGen C0268130.
Oroticaciduria. Also called: Orotic aciduria. Identifiers: Orphanet 30, MedGen C0268128, HP:0003218.

Allele frequency attached by ClinVar (database versions not stated): ESP Exome Variant Server 0.00923; TOPMed 0.01417; gnomAD 0.01154 and 0.01414; gnomAD exomes 0.02445 and 0.01690; 1000 Genomes Project 30x 0.02998; ExAC 0.02356; 1000 Genomes Project 0.02995.

Submissions (4):

Labcorp Genetics (formerly Invitae), Labcorp
Classification: Benign for Hereditary orotic aciduria, type 1. Last evaluated: 2026-01-26. Review status: criteria provided, single submitter. Criteria: Invitae Variant Classification Sherloc (09022015). Collection method: clinical testing. Allele origin: germline.

Illumina Laboratory Services, Illumina
Classification: Benign for Hereditary orotic aciduria. Last evaluated: 2018-01-12. Review status: criteria provided, single submitter. Criteria: ICSL Variant Classification Criteria 13 December 2019. Collection method: clinical testing. Allele origin: germline.
Comment: This variant was observed in the ICSL laboratory as part of a predisposition screen in an ostensibly healthy population. It had not been previously curated by ICSL or reported in the Human Gene Mutation Database (HGMD: prior to June 1st, 2018), and was therefore a candidate for classification through an automated scoring system. Utilizing variant allele frequency, disease prevalence and penetrance estimates, and inheritance mode, an automated score was calculated to assess if this variant is too frequent to cause the disease. Based on the score and internal cut-off values, a variant classified as benign is not then subjected to further curation. The score for this variant resulted in a classification of benign for this disease.

Breakthrough Genomics
Classification: Benign. Review status: criteria provided, single submitter. Criteria: ACMG Guidelines, 2015. Collection method: not provided. Allele origin: germline. Inheritance: Autosomal recessive inheritance. Affected: yes.

Diasio Lab,  Mayo Clinic
No classification provided. Review status: no classification provided. Collection method: not provided. Allele origin: unknown. Not counted in ClinVar's aggregate classification.